The following is an entry in ClinVar:

NM_001904.4(CTNNB1):c.1420C>T (p.Arg474Ter)

Genes: CTNNB1 (catenin beta 1; plus strand), LOC126806659 (BRD4-independent group 4 enhancer GRCh37_chr3:41274918-41276117; plus strand). Cytogenetic location: 3p22.1.
Variant type: single nucleotide variant.
Coding change: c.1420C>T on transcript NM_001904.4 (MANE Select); coding-DNA position 1420, C replaced by T.
Protein change: p.Arg474Ter; replaces arginine 474 with a stop codon.
Molecular consequence: nonsense.
Genome position (GRCh38, 1-based): chr3:41,233,763, C>T. VCF-style: chr3-41233763-C-T. GRCh37 (hg19) VCF-style: chr3-41275254-C-T.
Other names: c.1420C>T, p.Arg474Ter (NM_001098209.2, NM_001098210.2); c.1399C>T, p.Arg467Ter (NM_001330729.2); short protein forms R474*, R467*.
Identifiers: ClinVar variation 559636 (VCV000559636.63), dbSNP rs1553631860, ClinGen allele CA352233471.

ClinVar aggregate classification (germline): Pathogenic. Review status: criteria provided, multiple submitters, no conflicts (2 of 4 stars). 14 submissions from 14 submitters: Pathogenic (11). 3 of the submissions do not count toward it. Last evaluated 2025-06-01.

Conditions:
Pilomatrixoma (PTR). Also called: PILOMATRICOMA; Pilomatricoma, somatic; EPITHELIOMA CALCIFICANS OF MALHERBE. Identifiers: Orphanet 91414, MedGen C0206711, MeSH D018296, MONDO:0007564, OMIM 132600, HP:0030434.
Medulloblastoma (MDB). Also called: Medulloblastoma, somatic; MEDULLOBLASTOMA PREDISPOSITION SYNDROME. Identifiers: Orphanet 616, MedGen C0025149, MeSH D008527, MONDO:0007959, OMIM 155255, HP:0002885.
Exudative vitreoretinopathy 7. Identifiers: MedGen C4539767, MONDO:0033123, OMIM 617572.
Ovarian neoplasm. Also called: Neoplasm of ovary; Ovarian tumor; Ovarian Neoplasms. Identifiers: MedGen C0919267, MeSH D010051, MONDO:0021068, HP:0100615.
Severe intellectual disability-progressive spastic diplegia syndrome (NEDSDV). Also called: CTNNB1 Neurodevelopmental Disorder; NEURODEVELOPMENTAL DISORDER WITH SPASTIC DIPLEGIA AND VISUAL DEFECTS. Identifiers: Orphanet 404473, MedGen C3554449, MONDO:0014035, OMIM 615075.
Hepatocellular carcinoma (HCC). Also called: Primary carcinoma of liver; HEPATOMA; LIVER CELL CARCINOMA. Identifiers: Orphanet 88673, MedGen C2239176, MONDO:0007256, OMIM 114550, HP:0001402.
Colorectal cancer. Also called: Colorectal cancer, somatic; Malignant Colorectal Neoplasm. Identifiers: MedGen C0346629, MONDO:0005575, OMIM 114500.
Neurodevelopmental disorder. Identifiers: MedGen C1535926, MeSH D065886, MONDO:0700092.
Intellectual disability. Also called: Intellectual functioning disability; intellectual disabilities; Intellectual developmental disorder. Identifiers: MedGen C3714756, MeSH D008607, MONDO:0001071, HP:0001249.
Microcephalic primordial dwarfism, Alazami type. Also called: FACIAL DYSMORPHISM, INTELLECTUAL DISABILITY, AND PRIMORDIAL DWARFISM; Alazami syndrome. Identifiers: Orphanet 319671, MedGen C3554439, MONDO:0014031, OMIM 615071.
Developmental disorder. Identifiers: MedGen C0008073.

Submissions (14):

Labcorp Genetics (formerly Invitae), Labcorp
Classification: Pathogenic. Last evaluated: 2025-06-01. Review status: criteria provided, single submitter. Criteria: Invitae Variant Classification Sherloc (09022015). Collection method: clinical testing. Allele origin: germline.
Comment: This sequence change creates a premature translational stop signal (p.Arg474*) in the CTNNB1 gene. It is expected to result in an absent or disrupted protein product. Loss-of-function variants in CTNNB1 are known to be pathogenic (PMID: 23033978, 24614104, 25326669, 26350204, 28575650). This variant is not present in population databases (gnomAD no frequency). This premature translational stop signal has been observed in individual(s) with clinical features of CTNNB1-related conditions (PMID: 25326669, 27915094, 28333917). In at least one individual the variant was observed to be de novo. ClinVar contains an entry for this variant (Variation ID: 559636). For these reasons, this variant has been classified as Pathogenic.

3billion
Classification: Pathogenic for Severe intellectual disability-progressive spastic diplegia syndrome. Last evaluated: 2025-01-07. Review status: criteria provided, single submitter. Criteria: ACMG Guidelines, 2015. Collection method: clinical testing. Allele origin: germline. Affected: yes.
Comment: The variant is not observed in the gnomAD v4.1.0 dataset. Predicted Consequence/Location: Stop-gained (nonsense): predicted to result in a loss or disruption of normal protein function through nonsense-mediated decay (NMD) or protein truncation. Multiple pathogenic variants are reported downstream of the variant. The variant has been reported at least twice as pathogenic with clinical assertions and evidence for the classification (ClinVar ID: VCV000559636 /PMID: 25326669 /3billion dataset). Therefore, this variant is classified as Pathogenic according to the recommendation of ACMG/AMP guideline.

GeneDx
Classification: Pathogenic. Last evaluated: 2022-10-13. Review status: criteria provided, single submitter. Criteria: GeneDx Variant Classification Process June 2021. Collection method: clinical testing. Allele origin: germline. Affected: yes.
Comment: Nonsense variant predicted to result in protein truncation or nonsense mediated decay in a gene for which loss-of-function is a known mechanism of disease; Not observed at significant frequency in large population cohorts (gnomAD); This variant is associated with the following publications: (PMID: 28333917, 34758253, 27915094, 25326669, 27479843, 29786110, 31785789, 33004838)

Laboratorio de Genetica e Diagnostico Molecular, Hospital Israelita Albert Einstein
Classification: Pathogenic for Severe intellectual disability-progressive spastic diplegia syndrome. Last evaluated: 2022-03-17. Review status: criteria provided, single submitter. Criteria: ACMG Guidelines, 2015. Collection method: clinical testing. Allele origin: germline. Affected: yes. Observed: 1 variant allele.
Comment: ACMG classification criteria: PVS1 very strong, PS4 moderated, PM2 moderated, PM6 moderated

Laboratory of Medical Genetics, National & Kapodistrian University of Athens
Classification: Pathogenic for Microcephalic primordial dwarfism, Alazami type. Last evaluated: 2022-02-28. Review status: criteria provided, single submitter. Criteria: ACMG Guidelines, 2015. Collection method: clinical testing. Allele origin: germline. Affected: yes.
Comment: PVS1, PM2, PP3, PP5

Department of Genetics, Rouen University Hospital, Normandy Center for Genomic and Personalized Medicine
Classification: Pathogenic for Developmental disorder. Last evaluated: 2022-01-04. Review status: criteria provided, single submitter. Criteria: ACMG Guidelines, 2015. Collection method: clinical testing. Allele origin: de novo. Affected: yes.

MGZ Medical Genetics Center
Classification: Pathogenic for Severe intellectual disability-progressive spastic diplegia syndrome. Last evaluated: 2021-12-10. Review status: criteria provided, single submitter. Criteria: ACMG Guidelines, 2015. Collection method: clinical testing. Allele origin: germline. Affected: yes. Observed: 1 variant allele.
Comment: ACMG criteria applied: PVS1, PS2, PM2_SUP

Laboratory of Molecular Genetics (Pr. Bezieau's lab), CHU de Nantes
Classification: Pathogenic for Neurodevelopmental disorder. Last evaluated: 2021-02-24. Review status: criteria provided, single submitter. Criteria: ACMG Guidelines, 2015. Collection method: clinical testing. Allele origin: germline. Affected: yes.

Diagnostic Laboratory, Strasbourg University Hospital
Classification: Pathogenic for Intellectual disability. Last evaluated: 2020-09-10. Review status: criteria provided, single submitter. Criteria: ACMG Guidelines, 2015. Collection method: clinical testing. Allele origin: de novo. Affected: yes. Observed: 1 heterozygote.

CeGaT Center for Human Genetics Tuebingen
Classification: Pathogenic. Last evaluated: 2019-11-01. Review status: criteria provided, single submitter. Criteria: CeGaT Center For Human Genetics Tuebingen Variant Classification Criteria Version 2. Collection method: clinical testing. Allele origin: germline. Affected: yes. Observed: 1 variant allele.

Molecular Genetics Lab, CHRU Brest
Classification: Pathogenic for Exudative vitreoretinopathy 7; Severe intellectual disability-progressive spastic diplegia syndrome; Ovarian cancer; Medulloblastoma; Pilomatrixoma; Hepatocellular carcinoma; Colorectal cancer. Review status: criteria provided, single submitter. Criteria: ACMG Guidelines, 2015. Collection method: clinical testing. Allele origin: maternal. Affected: yes.

Molecular Genetics Laboratory, BC Children's and BC Women's Hospitals
Classification: Pathogenic for Severe intellectual disability-progressive spastic diplegia syndrome. Last evaluated: 2018-03-07. Review status: no assertion criteria provided. Criteria: ACMG Guidelines, 2015. Collection method: clinical testing. Allele origin: de novo. Affected: yes. Not counted in ClinVar's aggregate classification.

Genomics England Pilot Project, Genomics England
Classification: Pathogenic for Severe intellectual disability-progressive spastic diplegia syndrome. Review status: no assertion criteria provided. Criteria: ACGS Guidelines, 2016. Collection method: clinical testing. Allele origin: germline. Affected: yes. Not counted in ClinVar's aggregate classification.

Kasturba Medical College, Manipal, Kasturba Medical College, Manipal, Manipal Academy of Higher Education, Manipal, India
Classification: Pathogenic for Severe intellectual disability-progressive spastic diplegia syndrome. Review status: no assertion criteria provided. Collection method: clinical testing. Allele origin: de novo. Inheritance: Autosomal dominant inheritance. Affected: yes. Not counted in ClinVar's aggregate classification.

Literature cited by the submitters: PubMed 23033978 (cited by Labcorp Genetics (formerly Invitae), Labcorp); PubMed 24614104 (cited by Labcorp Genetics (formerly Invitae), Labcorp); PubMed 25326669 (cited by Labcorp Genetics (formerly Invitae), Labcorp and 3billion); PubMed 26350204 (cited by Labcorp Genetics (formerly Invitae), Labcorp); PubMed 28575650 (cited by Labcorp Genetics (formerly Invitae), Labcorp); PubMed 27915094 (cited by Labcorp Genetics (formerly Invitae), Labcorp); PubMed 28333917 (cited by Labcorp Genetics (formerly Invitae), Labcorp).